The following is an entry in ClinVar:

NM_002016.2(FLG):c.3716A>C (p.Glu1239Ala)

Genes: CCDST (cervical cancer associated DHX9 suppressive transcript; plus strand), FLG (filaggrin; minus strand). Cytogenetic location: 1q21.3.
Variant type: single nucleotide variant.
Coding change: c.3716A>C on transcript NM_002016.2 (MANE Select); coding-DNA position 3716, A replaced by C.
Protein change: p.Glu1239Ala; replaces glutamic acid 1239 with alanine.
Molecular consequence: missense variant.
Genome position (GRCh38, 1-based): chr1:152,311,170, T>G on the plus strand (A>C on the coding strand, the complement: FLG is on the minus strand). VCF-style: chr1-152311170-T-G. GRCh37 (hg19) VCF-style: chr1-152283646-T-G.
Other names: short protein forms E1239A.
Identifiers: ClinVar variation 2264738 (VCV002264738.8), dbSNP rs139432673, ClinGen allele CA1106541.

ClinVar aggregate classification (germline): Conflicting classifications of pathogenicity. Review status: criteria provided, conflicting classifications (1 of 4 stars). 2 submissions from 2 submitters: Uncertain significance (1); Likely benign (1). Last evaluated 2025-10-01.

Conditions:
Inborn genetic diseases. Identifiers: MedGen C0950123, MeSH D030342.

Allele frequency attached by ClinVar (database versions not stated): gnomAD 0.00029; ESP Exome Variant Server 0.00031; TOPMed 0.00033; 1000 Genomes Project 0.00040; ExAC 0.00046; 1000 Genomes Project 30x 0.00047; gnomAD exomes 0.00061.
gnomAD v4.1: 944 of 1,613,868 alleles (0.058%); highest among the groups gnomAD compares: Middle Eastern, 1.1%; 5 homozygotes.

Submissions (2):

CeGaT Center for Human Genetics Tuebingen
Classification: Likely benign. Last evaluated: 2025-10-01. Review status: criteria provided, single submitter. Criteria: CeGaT Center For Human Genetics Tuebingen Variant Classification Criteria Version 2. Collection method: clinical testing. Allele origin: germline. Affected: yes. Observed: 1 variant allele.
Comment: FLG: BP4

Ambry Genetics
Classification: Uncertain significance for Inborn genetic diseases. Last evaluated: 2021-07-06. Review status: criteria provided, single submitter. Criteria: Ambry Variant Classification Scheme 2023. Collection method: clinical testing. Allele origin: germline.